The following is an entry in ClinVar:

NM_001366385.1(CARD14):c.836T>G (p.Phe279Cys)

Gene: CARD14 (caspase recruitment domain family member 14; plus strand). Cytogenetic location: 17q25.3.
Variant type: single nucleotide variant.
Coding change: c.836T>G on transcript NM_001366385.1 (MANE Select); coding-DNA position 836, T replaced by G.
Protein change: p.Phe279Cys; replaces phenylalanine 279 with cysteine.
Molecular consequence: missense variant. On other transcripts: non-coding transcript variant (1).
Genome position (GRCh38, 1-based): chr17:80,188,537, T>G. VCF-style: chr17-80188537-T-G. GRCh37 (hg19) VCF-style: chr17-78162336-T-G.
Other names: c.836T>G, p.Phe279Cys (NM_001257970.1, NM_024110.4); c.125T>G, p.Phe42Cys (NM_052819.3); short protein forms F279C, F42C.
Identifiers: ClinVar variation 3749596 (VCV003749596.2).

ClinVar aggregate classification (germline): Uncertain significance (1 of 4 stars; one submission).

Conditions:
Pityriasis rubra pilaris (PRP). Also called: Pityriasis rubra pilaris--familial type. Identifiers: Orphanet 2897, MedGen C0032027, MONDO:0100017, OMIM 173200, MONDO:0008251.
Psoriasis 2. Identifiers: MedGen C1864497, MONDO:0011269, OMIM 602723.

Submission:

Labcorp Genetics (formerly Invitae), Labcorp
Classification: Uncertain significance for Pityriasis rubra pilaris; Psoriasis 2. Last evaluated: 2024-12-12. Review status: criteria provided, single submitter. Criteria: Invitae Variant Classification Sherloc (09022015). Collection method: clinical testing. Allele origin: germline.
Comment: This sequence change replaces phenylalanine, which is neutral and non-polar, with cysteine, which is neutral and slightly polar, at codon 279 of the CARD14 protein (p.Phe279Cys). This variant is not present in population databases (gnomAD no frequency). This variant has not been reported in the literature in individuals affected with CARD14-related conditions. Invitae Evidence Modeling of protein sequence and biophysical properties (such as structural, functional, and spatial information, amino acid conservation, physicochemical variation, residue mobility, and thermodynamic stability) has been performed for this missense variant. However, the output from this modeling did not meet the statistical confidence thresholds required to predict the impact of this variant on CARD14 protein function. In summary, the available evidence is currently insufficient to determine the role of this variant in disease. Therefore, it has been classified as a Variant of Uncertain Significance.